The following is an entry in ClinVar:

NM_006379.5(SEMA3C):c.514G>A (p.Val172Met)

Gene: SEMA3C (semaphorin 3C; minus strand). Cytogenetic location: 7q21.11.
Variant type: single nucleotide variant.
Coding change: c.514G>A on transcript NM_006379.5 (MANE Select); coding-DNA position 514, G replaced by A.
Protein change: p.Val172Met; replaces valine 172 with methionine.
Molecular consequence: missense variant.
Genome position (GRCh38, 1-based): chr7:80,810,635, C>T on the plus strand (G>A on the coding strand, the complement: SEMA3C is on the minus strand). VCF-style: chr7-80810635-C-T. GRCh37 (hg19) VCF-style: chr7-80439951-C-T.
Other names: c.568G>A, p.Val190Met (NM_001350120.2); c.340G>A, p.Val114Met (NM_001350121.2); c.568G>A (NM_001350120.1); short protein forms V190M, V172M, V114M.
Identifiers: ClinVar variation 2314023 (VCV002314023.3), dbSNP rs529243342, ClinGen allele CA4316416.

ClinVar aggregate classification (germline): Uncertain significance. Review status: criteria provided, multiple submitters, no conflicts (2 of 4 stars). 2 submissions from 2 submitters: Uncertain significance (2). Last evaluated 2025-06-13.

Conditions:
SEMA3C-related disorder. Also called: SEMA3C-related condition.

Allele frequency attached by ClinVar (database versions not stated): gnomAD 0.00001; TOPMed 0.00002; 1000 Genomes Project 30x 0.00016; 1000 Genomes Project 0.00020.
gnomAD v4.1: 12 of 1,613,726 alleles (0.00074%); highest among the groups gnomAD compares: South Asian, 0.0044%; no homozygotes.

Submissions (2):

PreventionGenetics, part of Exact Sciences
Classification: Uncertain significance for SEMA3C-related condition. Last evaluated: 2025-06-13. Review status: criteria provided, single submitter. Criteria: ACMG Guidelines, 2015. Collection method: clinical testing. Allele origin: germline.
Comment: The SEMA3C c.568G>A variant is predicted to result in the amino acid substitution p.Val190Met. To our knowledge, this variant has not been reported in the literature. This variant is reported in 0.0062% of alleles in individuals of African descent in gnomAD. At this time, the clinical significance of this variant is uncertain due to the absence of conclusive functional and genetic evidence.

Ambry Genetics
Classification: Uncertain significance. Last evaluated: 2022-09-27. Review status: criteria provided, single submitter. Criteria: Ambry Variant Classification Scheme 2023. Collection method: clinical testing. Allele origin: germline.